The following is an entry in ClinVar:

NM_020433.5(JPH2):c.1336T>C (p.Ser446Pro)

Gene: JPH2 (junctophilin 2; minus strand). Cytogenetic location: 20q13.12.
Variant type: single nucleotide variant.
Coding change: c.1336T>C on transcript NM_020433.5 (MANE Select); coding-DNA position 1336, T replaced by C.
Protein change: p.Ser446Pro; replaces serine 446 with proline.
Molecular consequence: missense variant.
Genome position (GRCh38, 1-based): chr20:44,116,339, A>G on the plus strand (T>C on the coding strand, the complement: JPH2 is on the minus strand). VCF-style: chr20-44116339-A-G. GRCh37 (hg19) VCF-style: chr20-42744979-A-G.
Other names: short protein forms S446P.
Identifiers: ClinVar variation 4716003 (VCV004716003.1).
Genomic context (GRCh38, chr20:44,116,339, plus strand): 5'-GCGGCTGTGGGAGGCCCGCTGCGCCGGCGCCCCGGTCGGGGGGCTCCAGCAGGCTCTCCG[A>G]GTTCTCCAGGATCTCCTGCAGCAGCCGGCGCTTCTGATATTCCGGACCTGCCAGGGCAAC-3'
Protein context (NP_065166.2, residues 436-456): RRLLQEILEN[Ser446Pro]ESLLEPPDRG

ClinVar aggregate classification (germline): Uncertain significance (1 of 4 stars; one submission).

Conditions:
Hypertrophic cardiomyopathy. Also called: HYPERTROPHIC MYOCARDIOPATHY. Identifiers: Orphanet 217569, MedGen C0007194, MeSH D002312, MONDO:0005045, HP:0001639.

gnomAD v4.1: 1 of 1,546,516 alleles (0.000065%); highest among the groups gnomAD compares: Non-Finnish European, 0.000087%; no homozygotes.

Submission:

Labcorp Genetics (formerly Invitae), Labcorp
Classification: Uncertain significance for Hypertrophic cardiomyopathy. Last evaluated: 2025-03-26. Review status: criteria provided, single submitter. Criteria: Invitae Variant Classification Sherloc (09022015). Collection method: clinical testing. Allele origin: germline.
Comment: This sequence change replaces serine, which is neutral and polar, with proline, which is neutral and non-polar, at codon 446 of the JPH2 protein (p.Ser446Pro). This variant is not present in population databases (gnomAD no frequency). This variant has not been reported in the literature in individuals affected with JPH2-related conditions. An algorithm developed to predict the effect of missense changes on protein structure and function (PolyPhen-2) suggests that this variant is likely to be tolerated. In summary, the available evidence is currently insufficient to determine the role of this variant in disease. Therefore, it has been classified as a Variant of Uncertain Significance.